The following is an entry in ClinVar:

ClinVar aggregate classification (germline): Uncertain significance (1 of 4 stars; one submission).

Submission:

Labcorp Genetics (formerly Invitae), Labcorp
Classification: Uncertain significance. Last evaluated: 2024-07-06. Review status: criteria provided, single submitter. Criteria: Invitae Variant Classification Sherloc (09022015). Collection method: clinical testing. Allele origin: germline.
Comment: This sequence change replaces tryptophan, which is neutral and slightly polar, with cysteine, which is neutral and slightly polar, at codon 759 of the KL protein (p.Trp759Cys). This variant is not present in population databases (gnomAD no frequency). This variant has not been reported in the literature in individuals affected with KL-related conditions. Advanced modeling of protein sequence and biophysical properties (such as structural, functional, and spatial information, amino acid conservation, physicochemical variation, residue mobility, and thermodynamic stability) performed at Invitae indicates that this missense variant is not expected to disrupt KL protein function with a negative predictive value of 80%. In summary, the available evidence is currently insufficient to determine the role of this variant in disease. Therefore, it has been classified as a Variant of Uncertain Significance.

NM_004795.4(KL):c.2277G>T (p.Trp759Cys)

Gene: KL (klotho; plus strand). Cytogenetic location: 13q13.1.
Variant type: single nucleotide variant.
Coding change: c.2277G>T on transcript NM_004795.4 (MANE Select); coding-DNA position 2277, G replaced by T.
Protein change: p.Trp759Cys; replaces tryptophan 759 with cysteine.
Molecular consequence: missense variant.
Genome position (GRCh38, 1-based): chr13:33,061,356, G>T. VCF-style: chr13-33061356-G-T. GRCh37 (hg19) VCF-style: chr13-33635493-G-T.
Other names: short protein forms W759C.
Identifiers: ClinVar variation 3606330 (VCV003606330.2).